The following is an entry in ClinVar:

NM_001360.3(DHCR7):c.165C>G (p.Tyr55Ter)

Gene: DHCR7 (7-dehydrocholesterol reductase; minus strand). Cytogenetic location: 11q13.4.
Variant type: single nucleotide variant.
Coding change: c.165C>G on transcript NM_001360.3 (MANE Select); coding-DNA position 165, C replaced by G.
Protein change: p.Tyr55Ter; replaces tyrosine 55 with a stop codon.
Molecular consequence: nonsense. On other transcripts: 5 prime UTR variant (1), intron variant (3).
Genome position (GRCh38, 1-based): chr11:71,444,149, G>C on the plus strand (C>G on the coding strand, the complement: DHCR7 is on the minus strand). VCF-style: chr11-71444149-G-C. GRCh37 (hg19) VCF-style: chr11-71155195-G-C.
Other names: c.165C>G, p.Tyr55Ter (NM_001163817.2, NM_001425107.1, NM_001425108.1 and 8 more transcripts); c.-10C>G (NM_001425117.1); c.99-30C>G (NM_001425114.1, NM_001425116.1, NM_001425113.1); short protein forms Y55*.
Identifiers: ClinVar variation 4814813 (VCV004814813.1).

ClinVar aggregate classification (germline): Likely pathogenic (1 of 4 stars; one submission).

Conditions:
Smith-Lemli-Opitz syndrome (SLOS). Also called: LETHAL ACRODYSGENITAL SYNDROME; POLYDACTYLY, SEX REVERSAL, RENAL HYPOPLASIA, AND UNILOBAR LUNG; RSH SYNDROME; RUTLEDGE LETHAL MULTIPLE CONGENITAL ANOMALY SYNDROME; 7-Dehydrocholesterol reductase deficiency. Identifiers: Orphanet 818, MedGen C0175694, MONDO:0010035, OMIM 270400.

Submission:

Natera, Inc.
Classification: Likely pathogenic for Smith-Lemli-Opitz syndrome. Last evaluated: 2025-09-29. Review status: criteria provided, single submitter. Criteria: Natera Variant Classification Schema (03/2026). Collection method: clinical testing. Allele origin: germline.
Comment: The c.165C>G variant in DHCR7 is a nonsense variant predicted to introduce a stop codon at amino acid 55. This variant is expected to result in nonsense mediated decay, truncation, or a dysfunctional protein product. This variant is rare in the general population with a frequency below the threshold expected for the associated phenotype(s). Given the available evidence, this variant is classified as Likely Pathogenic.